The following is an entry in ClinVar:

NC_012920.1(MT-ND5):m.14040G>C

Gene: MT-ND5 (mitochondrially encoded NADH dehydrogenase 5; plus strand).
Variant type: single nucleotide variant.
Genome position: chrM-14040-G-C.
Identifiers: ClinVar variation 693652 (VCV000693652.1), dbSNP rs57180882, ClinGen allele CA414820628.

ClinVar aggregate classification (germline): Likely benign (1 of 4 stars; one submission).

Conditions:
Leigh syndrome (NULS). Also called: Leigh's necrotizing encephalopathy; Leigh's disease; Leigh's syndrome; LEIGH SYNDROME, NUCLEAR; Leigh Syndrome (mtDNA deletion); Leigh Disease. Identifiers: Orphanet 506, MedGen C2931891, MONDO:0009723, OMIM 256000.

Submission:

Wong Mito Lab, Molecular and Human Genetics, Baylor College of Medicine
Classification: Likely benign for Leigh syndrome. Last evaluated: 2019-10-17. Review status: criteria provided, single submitter. Criteria: Modified ACMG Guidelines (Unpublished). Collection method: clinical testing. Allele origin: germline.
Comment: The NC_012920.1:m.14040G>C (YP_003024036.1:p.Gln568His) variant in MTND5 gene is interpretated to be a Likely Benign variant based on the modified ACMG guidelines (unpublished). This variant meets the following evidence codes: BS4, BP4